The following is an entry in ClinVar:

NM_012186.3(FOXE3):c.707A>G (p.Glu236Gly)

Genes: FOXE3 (forkhead box E3; plus strand), LINC01389 (long intergenic non-protein coding RNA 1389; minus strand). Cytogenetic location: 1p33.
Variant type: single nucleotide variant.
Coding change: c.707A>G on transcript NM_012186.3 (MANE Select); coding-DNA position 707, A replaced by G.
Protein change: p.Glu236Gly; replaces glutamic acid 236 with glycine.
Molecular consequence: missense variant.
Genome position (GRCh38, 1-based): chr1:47,417,022, A>G. VCF-style: chr1-47417022-A-G. GRCh37 (hg19) VCF-style: chr1-47882694-A-G.
Other names: short protein forms E236G.
Identifiers: ClinVar variation 4026312 (VCV004026312.1).

ClinVar aggregate classification (germline): Uncertain significance (1 of 4 stars; one submission).

Conditions:
Cardiovascular phenotype. Identifiers: MedGen CN230736.

Submission:

Ambry Genetics
Classification: Uncertain significance for Cardiovascular phenotype. Last evaluated: 2025-05-24. Review status: criteria provided, single submitter. Criteria: Ambry Variant Classification Scheme 2023. Collection method: clinical testing. Allele origin: germline.
Comment: The p.E236G variant (also known as c.707A>G), located in coding exon 1 of the FOXE3 gene, results from an A to G substitution at nucleotide position 707. The glutamic acid at codon 236 is replaced by glycine, an amino acid with similar properties. This amino acid position is conserved. In addition, this alteration is predicted to be tolerated by in silico analysis. Based on the available evidence, the clinical significance of this variant remains unclear.